The following is an entry in ClinVar:

NM_002103.5(GYS1):c.1918G>T (p.Ala640Ser)

Gene: GYS1 (glycogen synthase 1; minus strand). Cytogenetic location: 19q13.33.
Variant type: single nucleotide variant.
Coding change: c.1918G>T on transcript NM_002103.5 (MANE Select); coding-DNA position 1918, G replaced by T.
Protein change: p.Ala640Ser; replaces alanine 640 with serine.
Molecular consequence: missense variant. On other transcripts: non-coding transcript variant (1).
Genome position (GRCh38, 1-based): chr19:48,969,584, C>A on the plus strand (G>T on the coding strand, the complement: GYS1 is on the minus strand). VCF-style: chr19-48969584-C-A. GRCh37 (hg19) VCF-style: chr19-49472841-C-A.
Other names: c.1726G>T, p.Ala576Ser (NM_001161587.2); short protein forms A640S, A576S.
Identifiers: ClinVar variation 1931550 (VCV001931550.5), dbSNP rs1336273298, ClinGen allele CA406759606.

ClinVar aggregate classification (germline): Uncertain significance (1 of 4 stars; one submission).

Conditions:
Glycogen storage disease due to muscle and heart glycogen synthase deficiency. Also called: GSD 0b; MUSCLE GLYCOGEN SYNTHASE DEFICIENCY. Identifiers: Orphanet 137625, MedGen C1969054, MONDO:0012693, OMIM 611556.

Allele frequency attached by ClinVar (database versions not stated): gnomAD exomes 0.00001.
gnomAD v4.1: 14 of 1,538,330 alleles (0.00091%); highest among the groups gnomAD compares: Non-Finnish European, 0.0012%; no homozygotes.

Submission:

Labcorp Genetics (formerly Invitae), Labcorp
Classification: Uncertain significance for Glycogen storage disease due to muscle and heart glycogen synthase deficiency. Last evaluated: 2022-03-18. Review status: criteria provided, single submitter. Criteria: Invitae Variant Classification Sherloc (09022015). Collection method: clinical testing. Allele origin: germline.
Comment: In summary, the available evidence is currently insufficient to determine the role of this variant in disease. Therefore, it has been classified as a Variant of Uncertain Significance. Algorithms developed to predict the effect of missense changes on protein structure and function are either unavailable or do not agree on the potential impact of this missense change (SIFT: "Tolerated"; PolyPhen-2: "Probably Damaging"; Align-GVGD: "Class C0"). This variant has not been reported in the literature in individuals affected with GYS1-related conditions. This variant is not present in population databases (gnomAD no frequency). This sequence change replaces alanine, which is neutral and non-polar, with serine, which is neutral and polar, at codon 640 of the GYS1 protein (p.Ala640Ser).